The following is an entry in ClinVar:

NM_001242896.3(DEPDC5):c.144C>A (p.Tyr48Ter)

Gene: DEPDC5 (DEP domain containing 5, GATOR1 subcomplex subunit; plus strand). Cytogenetic location: 22q12.2.
Variant type: single nucleotide variant.
Coding change: c.144C>A on transcript NM_001242896.3 (MANE Select); coding-DNA position 144, C replaced by A.
Protein change: p.Tyr48Ter; replaces tyrosine 48 with a stop codon.
Molecular consequence: nonsense. On other transcripts: non-coding transcript variant (5).
Genome position (GRCh38, 1-based): chr22:31,758,631, C>A. VCF-style: chr22-31758631-C-A. GRCh37 (hg19) VCF-style: chr22-32154617-C-A.
Other names: c.144C>A, p.Tyr48Ter (NM_001007188.4, NM_001136029.4, NM_001242897.2 and 9 more transcripts); short protein forms Y48*.
Identifiers: ClinVar variation 4855139 (VCV004855139.1).

ClinVar aggregate classification (germline): Likely pathogenic (1 of 4 stars; one submission).

Conditions:
Epilepsy, familial focal, with variable foci 1 (FFEVF1). Also called: DEPDC5-Related Epilepsy. Identifiers: MedGen C4551983, MONDO:0024556, OMIM 604364.

Submission:

3billion
Classification: Likely pathogenic for Epilepsy, familial focal, with variable foci 1. Last evaluated: 2025-08-28. Review status: criteria provided, single submitter. Criteria: ACMG Guidelines, 2015. Collection method: clinical testing. Allele origin: germline. Affected: yes.
Comment: The variant is not observed in the gnomAD v4.1.0 dataset. Predicted Consequence/Location: Stop-gained (nonsense): predicted to result in a loss or disruption of normal protein function through nonsense-mediated decay (NMD) or protein truncation. Multiple pathogenic variants are reported downstream of the variant. Therefore, this variant is classified as Likely pathogenic according to the recommendation of ACMG/AMP guideline.